The following is an entry in ClinVar:

NM_000426.4(LAMA2):c.2916del (p.Phe972fs)

Gene: LAMA2 (laminin subunit alpha 2; plus strand). Cytogenetic location: 6q22.33.
Variant type: Deletion.
Coding change: c.2916del on transcript NM_000426.4 (MANE Select); coding-DNA position 2916, one base deleted (T; older notation c.2916delT).
Protein change: p.Phe972fs; shifts the reading frame from phenylalanine 972.
Molecular consequence: frameshift variant.
Genome position (GRCh38, 1-based): chr6:129,297,744, T deleted; the last of 4 consecutive T bases (chr6:129,297,741-129,297,744); deleting any one gives the same sequence. VCF-style (leftmost placement, unchanged base first): chr6-129297740-CT-C. GRCh37 (hg19) VCF-style: chr6-129618885-CT-C.
Other names: c.2916del, p.Phe972fs (NM_001079823.2); short protein forms F972fs.
Identifiers: ClinVar variation 1726400 (VCV001726400.8), dbSNP rs2482334983, ClinGen allele CA2580074945.

ClinVar aggregate classification (germline): Pathogenic/Likely pathogenic. Review status: criteria provided, multiple submitters, no conflicts (2 of 4 stars). 2 submissions from 2 submitters: Pathogenic (1); Likely pathogenic (1). Last evaluated 2022-04-02.

Conditions:
LAMA2-related muscular dystrophy (LAMA2-RD). Also called: Laminin alpha 2-related dystrophy. Identifiers: MedGen C5679788, MONDO:0100228.

Submissions (2):

Labcorp Genetics (formerly Invitae), Labcorp
Classification: Pathogenic for LAMA2-related muscular dystrophy. Last evaluated: 2022-04-02. Review status: criteria provided, single submitter. Criteria: Invitae Variant Classification Sherloc (09022015). Collection method: clinical testing. Allele origin: germline.
Comment: This variant has not been reported in the literature in individuals affected with LAMA2-related conditions. For these reasons, this variant has been classified as Pathogenic. This variant is not present in population databases (gnomAD no frequency). This sequence change creates a premature translational stop signal (p.Phe972Leufs*103) in the LAMA2 gene. It is expected to result in an absent or disrupted protein product. Loss-of-function variants in LAMA2 are known to be pathogenic (PMID: 18700894, 32904964).

Myriad Genetics, Inc.
Classification: Likely pathogenic for LAMA2-related muscular dystrophy. Last evaluated: 2021-12-17. Review status: criteria provided, single submitter. Criteria: Myriad Autosomal Dominant, Autosomal Recessive and X-Linked Classification Criteria (2023). Collection method: clinical testing. Allele origin: unknown.
Comment: NM_000426.3(LAMA2):c.2916delT(F972Lfs*103) is expected to be pathogenic in the context of muscular dystrophy, LAMA2-related. This variant is predicted to lead to an abnormal or absent protein product due to the creation of a premature termination codon in LAMA2, a gene where loss-of-function variants are known to be pathogenic. Please note: this variant was assessed in the context of healthy population screening.

Literature cited by the submitters: PubMed 18700894 (cited by Labcorp Genetics (formerly Invitae), Labcorp); PubMed 32904964 (cited by Labcorp Genetics (formerly Invitae), Labcorp).